The following is an entry in ClinVar:

ClinVar aggregate classification (germline): Pathogenic (1 of 4 stars; one submission).

Conditions:
Duchenne muscular dystrophy (DMD). Also called: Duchenne Muscular Dystrophy (DMD); MUSCULAR DYSTROPHY, PSEUDOHYPERTROPHIC PROGRESSIVE, DUCHENNE TYPE. Identifiers: Orphanet 98896, MedGen C0013264, MONDO:0010679, OMIM 310200.

Submission:

Labcorp Genetics (formerly Invitae), Labcorp
Classification: Pathogenic for Duchenne muscular dystrophy. Last evaluated: 2022-06-20. Review status: criteria provided, single submitter. Criteria: Invitae Variant Classification Sherloc (09022015). Collection method: clinical testing. Allele origin: germline.
Comment: For these reasons, this variant has been classified as Pathogenic. This variant disrupts a region of the DMD protein in which other variant(s) (deletion of exons 63-79) have been determined to be pathogenic (PMID: 17253928, 21515508). This suggests that this is a clinically significant region of the protein, and that variants that disrupt it are likely to be disease-causing. A similar copy number variant has been observed in individual(s) with Duchenne muscular dystrophy (PMID: 22776072). This variant is a gross deletion of the genomic region encompassing exon(s) 49-79 of the DMD gene, which includes the termination codon. This deletion extends beyond the assayed region for this gene and therefore may encompass additional genes. While this deletion is not anticipated to lead to nonsense mediated decay, it is expected to alter mRNA translation or result in a truncated protein product.

Literature cited by the submitters: PubMed 17253928; PubMed 21515508; PubMed 22776072.

NC_000023.10:g.(?_31140036)_(31854956_?)del

Gene: DMD (dystrophin; minus strand). Cytogenetic location: Xp21.2-21.1.
Variant type: Deletion.
Identifiers: ClinVar variation 2424920 (VCV002424920.5).